The following is an entry in ClinVar:

NM_198578.4(LRRK2):c.2062G>T (p.Asp688Tyr)

Gene: LRRK2 (leucine rich repeat kinase 2; plus strand). Cytogenetic location: 12q12.
Variant type: single nucleotide variant.
Coding change: c.2062G>T on transcript NM_198578.4 (MANE Select); coding-DNA position 2062, G replaced by T.
Protein change: p.Asp688Tyr; replaces aspartic acid 688 with tyrosine.
Molecular consequence: missense variant.
Genome position (GRCh38, 1-based): chr12:40,278,008, G>T. VCF-style: chr12-40278008-G-T. GRCh37 (hg19) VCF-style: chr12-40671810-G-T.
Other names: short protein forms D688Y.
Identifiers: ClinVar variation 1785253 (VCV001785253.2), dbSNP rs915684208, ClinGen allele CA384404788.

ClinVar aggregate classification (germline): Uncertain significance (1 of 4 stars; one submission).

Conditions:
Inborn genetic diseases. Identifiers: MedGen C0950123, MeSH D030342.

Submission:

Ambry Genetics
Classification: Uncertain significance for Inborn genetic diseases. Last evaluated: 2022-04-21. Review status: criteria provided, single submitter. Criteria: Ambry Variant Classification Scheme 2023. Collection method: clinical testing. Allele origin: germline.
Comment: The p.D688Y variant (also known as c.2062G>T), located in coding exon 17 of the LRRK2 gene, results from a G to T substitution at nucleotide position 2062. The aspartic acid at codon 688 is replaced by tyrosine, an amino acid with highly dissimilar properties. This amino acid position is conserved. In addition, the in silico prediction for this alteration is inconclusive. Since supporting evidence is limited at this time, the clinical significance of this alteration remains unclear.